The following is an entry in ClinVar:

ClinVar aggregate classification (germline): Benign (1 of 4 stars; one submission).

Submission:

GeneDx
Classification: Benign. Last evaluated: 2018-06-19. Review status: criteria provided, single submitter. Criteria: GeneDx Variant Classification (06012015). Collection method: clinical testing. Allele origin: germline. Affected: yes.
Comment: This variant is considered likely benign or benign based on one or more of the following criteria: it is a conservative change, it occurs at a poorly conserved position in the protein, it is predicted to be benign by multiple in silico algorithms, and/or has population frequency not consistent with disease.

NM_005908.4(MANBA):c.2415+299del

Gene: MANBA (mannosidase beta; minus strand). Cytogenetic location: 4q24.
Variant type: Deletion.
Coding change: c.2415+299del on transcript NM_005908.4 (MANE Select); 299 bases into the intron after coding-DNA position 2415, one base deleted (C; older notation c.2415+299delC).
Molecular consequence: intron variant.
Genome position (GRCh38, 1-based): chr4:102,634,489, G deleted on the plus strand (C on the coding strand, the reverse complement: MANBA is on the minus strand); the first of 3 consecutive G bases (chr4:102,634,489-102,634,491); deleting any one gives the same sequence. VCF-style (leftmost placement, unchanged base first): chr4-102634488-TG-T. GRCh37 (hg19) VCF-style: chr4-103555645-TG-T.
Identifiers: ClinVar variation 667479 (VCV000667479.1), dbSNP rs10712070, ClinGen allele CA102711666.